The following is an entry in ClinVar:

ClinVar aggregate classification (germline): Likely pathogenic (1 of 4 stars; one submission).

Conditions:
PIKFYVE-related disorder. Also called: PIKFYVE-related condition.

Allele frequency attached by ClinVar (database versions not stated): gnomAD exomes below 0.00001; TOPMed below 0.00001; gnomAD 0.00001.
gnomAD v4.1: 4 of 1,614,048 alleles (0.00025%); highest among the groups gnomAD compares: African/African-American, 0.0053%; no homozygotes.

Submission:

PreventionGenetics, part of Exact Sciences
Classification: Likely pathogenic for PIKFYVE-related condition. Last evaluated: 2023-04-20. Review status: criteria provided, single submitter. Criteria: ACMG Guidelines, 2015. Collection method: clinical testing. Allele origin: germline.
Comment: The PIKFYVE c.1510C>T variant is predicted to result in premature protein termination (p.Gln504*). To our knowledge, this variant has not been reported in the literature. This variant is reported in 0.016% of alleles in individuals of African descent in gnomAD. Nonsense variants in PIKFYVE are expected to be pathogenic, and therefore we interpret c.1510C>T (p.Gln504*) as likely pathogenic.

NM_015040.4(PIKFYVE):c.1510C>T (p.Gln504Ter)

Gene: PIKFYVE (phosphoinositide kinase, FYVE-type zinc finger containing; plus strand). Cytogenetic location: 2q34.
Variant type: single nucleotide variant.
Coding change: c.1510C>T on transcript NM_015040.4 (MANE Select); coding-DNA position 1510, C replaced by T.
Protein change: p.Gln504Ter; replaces glutamine 504 with a stop codon.
Molecular consequence: nonsense.
Genome position (GRCh38, 1-based): chr2:208,304,887, C>T. VCF-style: chr2-208304887-C-T. GRCh37 (hg19) VCF-style: chr2-209169611-C-T.
Other names: c.1510C>T, p.Gln504Ter (NM_001178000.2); c.1219C>T, p.Gln407Ter (NM_152671.4); short protein forms Q407*, Q504*.
Identifiers: ClinVar variation 2630113 (VCV002630113.1), dbSNP rs1291587960, ClinGen allele CA350108105.